The following is an entry in ClinVar:

ClinVar aggregate classification (germline): Pathogenic (1 of 4 stars; one submission).

Conditions:
Cohen syndrome (COH1). Also called: Cutis verticis gyrata, retinitis pigmentosa, and sensorineural deafness; PEPPER SYNDROME. Identifiers: Orphanet 193, MedGen C0265223, MONDO:0008999, OMIM 216550.

Submission:

Myriad Genetics, Inc.
Classification: Pathogenic for Cohen syndrome. Last evaluated: 2026-07-17. Review status: criteria provided, single submitter. Criteria: Myriad Autosomal Dominant, Autosomal Recessive and X-Linked Classification Criteria (2023). Collection method: clinical testing. Allele origin: unknown.
Comment: NM_017890.4(VPS13B):c.1841C>G(S614*) is expected to be pathogenic in the context of Cohen syndrome. This variant is predicted to lead to an abnormal or absent protein product due to the creation of a premature termination codon in VPS13B, a gene where loss-of-function variants are known to be pathogenic. Please note: this variant was assessed in the context of healthy population screening.

NM_152564.5(VPS13B):c.1841C>G (p.Ser614Ter)

Gene: VPS13B (vacuolar protein sorting 13 homolog B; plus strand). Cytogenetic location: 8q22.2.
Variant type: single nucleotide variant.
Coding change: c.1841C>G on transcript NM_152564.5 (MANE Select); coding-DNA position 1841, C replaced by G.
Protein change: p.Ser614Ter; replaces serine 614 with a stop codon.
Molecular consequence: nonsense.
Genome position (GRCh38, 1-based): chr8:99,143,163, C>G. VCF-style: chr8-99143163-C-G. GRCh37 (hg19) VCF-style: chr8-100155391-C-G.
Other names: c.1841C>G, p.Ser614Ter (NM_015243.3, NM_017890.5); short protein forms S614*.
Identifiers: ClinVar variation 5016136 (VCV005016136.1).